The following is an entry in ClinVar:

NC_000009.11:g.(?_99060678)_(99060764_?)dup

Gene: HSD17B3 (hydroxysteroid 17-beta dehydrogenase 3; minus strand). Cytogenetic location: 9q22.32.
Variant type: Duplication.
Identifiers: ClinVar variation 3245282 (VCV003245282.1).

ClinVar aggregate classification (germline): Likely pathogenic (1 of 4 stars; one submission).

Submission:

Labcorp Genetics (formerly Invitae), Labcorp
Classification: Likely pathogenic. Last evaluated: 2023-10-27. Review status: criteria provided, single submitter. Criteria: Invitae Variant Classification Sherloc (09022015). Collection method: clinical testing. Allele origin: unknown.
Comment: This variant results in a copy number gain of the genomic region encompassing exon(s) 2 of the HSD17B3 gene. While the exact position of this variant cannot be determined from the data, sub-genic copy number gains are generally in tandem (PMID: 25640679). This variant is predicted to be out-of-frame, and may result in an absent or disrupted protein product. Loss-of-function variants in HSD17B3 are known to be pathogenic (PMID: 23796702, 25740850). This variant has not been reported in the literature in individuals affected with HSD17B3-related conditions. In summary, the currently available evidence indicates that the variant is pathogenic, but additional data are needed to prove that conclusively. Therefore, this variant has been classified as Likely Pathogenic.

Literature cited by the submitters: PubMed 25640679; PubMed 23796702; PubMed 25740850.